The following is an entry in ClinVar:

NM_001082486.2(ACD):c.605C>A (p.Pro202His)

Gene: ACD (ACD shelterin complex subunit and telomerase recruitment factor; minus strand). Cytogenetic location: 16q22.1.
Variant type: single nucleotide variant.
Coding change: c.605C>A on transcript NM_001082486.2 (MANE Select); coding-DNA position 605, C replaced by A.
Protein change: p.Pro202His; replaces proline 202 with histidine.
Molecular consequence: missense variant.
Genome position (GRCh38, 1-based): chr16:67,658,968, G>T on the plus strand (C>A on the coding strand, the complement: ACD is on the minus strand). VCF-style: chr16-67658968-G-T. GRCh37 (hg19) VCF-style: chr16-67692871-G-T.
Other names: c.596C>A, p.Pro199His (NM_022914.3); short protein forms P199H, P202H.
Identifiers: ClinVar variation 1338297 (VCV001338297.7), dbSNP rs1238004090, ClinGen allele CA396354009.
Genomic context (GRCh38, chr16:67,658,968, plus strand): 5'-AAGCAAATCCCCAGACTGACCGTGGCCTTGCATCGTGAGGCAGCCCAGTGGGTGACAGGG[G>T]GTGCTGTGCAAGGGCCCTCCAGTGTCAGGCAGCTTTCAGCCAGGCACACGAGTGCCCCCT-3'
Protein context (NP_001075955.2, residues 192-212): CLTLEGPCTA[Pro202His]PVTHWAASRC

ClinVar aggregate classification (germline): Uncertain significance. Review status: criteria provided, multiple submitters, no conflicts (2 of 4 stars). 2 submissions from 2 submitters: Uncertain significance (2). Last evaluated 2023-09-11.

Conditions:
Inborn genetic diseases. Identifiers: MedGen C0950123, MeSH D030342.

gnomAD v4.1: 6 of 1,613,876 alleles (0.00037%); highest among the groups gnomAD compares: Non-Finnish European, 0.00051%; no homozygotes.

Submissions (2):

Ambry Genetics
Classification: Uncertain significance for Inborn genetic diseases. Last evaluated: 2023-09-11. Review status: criteria provided, single submitter. Criteria: Ambry Variant Classification Scheme 2023. Collection method: clinical testing. Allele origin: germline.
Comment: The p.P288H variant (also known as c.863C>A), located in coding exon 7 of the ACD gene, results from a C to A substitution at nucleotide position 863. The proline at codon 288 is replaced by histidine, an amino acid with similar properties. This amino acid position is conserved. In addition, this alteration is predicted to be tolerated by in silico analysis. Since supporting evidence is limited at this time, the clinical significance of this alteration remains unclear.

Genetic Services Laboratory, University of Chicago
Classification: Uncertain significance. Last evaluated: 2017-09-27. Review status: criteria provided, single submitter. Criteria: ACMG Guidelines, 2015. Collection method: clinical testing. Allele origin: germline. Affected: no.